The following is an entry in ClinVar:

ClinVar aggregate classification (germline): Likely benign (1 of 4 stars; one submission).

Submission:

GeneDx
Classification: Likely benign. Last evaluated: 2018-05-25. Review status: criteria provided, single submitter. Criteria: GeneDx Variant Classification (06012015). Collection method: clinical testing. Allele origin: germline. Affected: yes.
Comment: This variant is considered likely benign or benign based on one or more of the following criteria: it is a conservative change, it occurs at a poorly conserved position in the protein, it is predicted to be benign by multiple in silico algorithms, and/or has population frequency not consistent with disease.

NM_005765.3(ATP6AP2):c.396+20T>C

Gene: ATP6AP2 (ATPase H+ transporting accessory protein 2; plus strand). Cytogenetic location: Xp11.4.
Variant type: single nucleotide variant.
Coding change: c.396+20T>C on transcript NM_005765.3 (MANE Select); 20 bases into the intron after coding-DNA position 396, T replaced by C.
Molecular consequence: intron variant.
Genome position (GRCh38, 1-based): chrX:40,597,364, T>C. VCF-style: chrX-40597364-T-C. GRCh37 (hg19) VCF-style: chrX-40456616-T-C.
Identifiers: ClinVar variation 668702 (VCV000668702.1), dbSNP rs1602402155, ClinGen allele CA915950967.